The following is an entry in ClinVar:

NM_002968.3(SALL1):c.3872A>G (p.Asn1291Ser)

Gene: SALL1 (spalt like transcription factor 1; minus strand). Cytogenetic location: 16q12.1.
Variant type: single nucleotide variant.
Coding change: c.3872A>G on transcript NM_002968.3 (MANE Select); coding-DNA position 3872, A replaced by G.
Protein change: p.Asn1291Ser; replaces asparagine 1291 with serine.
Molecular consequence: missense variant.
Genome position (GRCh38, 1-based): chr16:51,137,215, T>C on the plus strand (A>G on the coding strand, the complement: SALL1 is on the minus strand). VCF-style: chr16-51137215-T-C. GRCh37 (hg19) VCF-style: chr16-51171126-T-C.
Other names: p.Asn1291Ser; c.3581A>G, p.Asn1194Ser (NM_001127892.2); short protein forms N1291S, N1194S.
Identifiers: ClinVar variation 218510 (VCV000218510.35), dbSNP rs74499562, ClinGen allele CA249034.
Genomic context (GRCh38, chr16:51,137,215, plus strand): 5'-AAGCGGAAGTTGGTTCCGTTCTCACTGCTTGCCATTTTCTCCAGGCCGGCCAGGGGAGCA[T>C]TGGGCTCTGAGTTCTGGAGCCTCTCCAGGTTTCCCGTCAGCCCACTAACAGGTGAGCTGT-3'
Protein context (NP_002959.2, residues 1281-1301): NLERLQNSEP[Asn1291Ser]APLAGLEKMA

ClinVar aggregate classification (germline): Benign/Likely benign. Review status: criteria provided, multiple submitters, no conflicts (2 of 4 stars). 11 submissions from 11 submitters: Benign (8); Likely benign (2). 1 of the submissions does not count toward it. Last evaluated 2026-07-01.

Conditions:
Townes syndrome (TBS). Also called: Townes-Brocks syndrome. Identifiers: Orphanet 857, MedGen C0265246, MeSH C536974, MONDO:0007142.
Townes-Brocks syndrome 1 (TBS1). Also called: DEAFNESS, SENSORINEURAL, WITH IMPERFORATE ANUS AND THUMB ANOMALIES; REAR SYNDROME; RENAL-EAR-ANAL-RADIAL SYNDROME; SALL1-Related Townes-Brocks Syndrome. Identifiers: Orphanet 857, MedGen C4551481, MONDO:0054581, OMIM 107480.

Allele frequency attached by ClinVar (database versions not stated): 1000 Genomes Project 0.00539; 1000 Genomes Project 30x 0.00593; TOPMed 0.00968; ExAC 0.01005; gnomAD 0.01023 and 0.01024; gnomAD exomes 0.01027 and 0.01314; ESP Exome Variant Server 0.01131.
gnomAD v4.1: 20,603 of 1,614,114 alleles (1.3%); highest among the groups gnomAD compares: Middle Eastern, 1.6%; 164 homozygotes.

Submissions (11):

CeGaT Center for Human Genetics Tuebingen
Classification: Benign. Last evaluated: 2026-07-01. Review status: criteria provided, single submitter. Criteria: CeGaT Center For Human Genetics Tuebingen Variant Classification Criteria Version 2. Collection method: clinical testing. Allele origin: germline. Affected: yes. Observed: 20 variant alleles.
Comment: SALL1: BP4, BS1, BS2

Labcorp Genetics (formerly Invitae), Labcorp
Classification: Benign for Townes syndrome. Last evaluated: 2026-01-27. Review status: criteria provided, single submitter. Criteria: Invitae Variant Classification Sherloc (09022015). Collection method: clinical testing. Allele origin: germline.

Mayo Clinic Laboratories, Mayo Clinic
Classification: Benign. Last evaluated: 2024-10-01. Review status: criteria provided, single submitter. Criteria: ACMG Guidelines, 2015. Collection method: clinical testing. Allele origin: germline. Observed: 3 variant alleles.
Comment: BS1, BS2, BP4

Athena Diagnostics
Classification: Benign. Last evaluated: 2019-07-02. Review status: criteria provided, single submitter. Criteria: Athena Diagnostics Criteria. Collection method: clinical testing. Allele origin: germline.

Clinical Genetics DNA and cytogenetics Diagnostics Lab, Erasmus MC, Erasmus Medical Center
Classification: Benign for Townes-Brocks syndrome 1. Last evaluated: 2015-09-21. Review status: criteria provided, single submitter. Criteria: ACGS Guidelines, 2013. Collection method: clinical testing. Allele origin: germline. Affected: yes. Study: VKGL Data-share Consensus.

GeneDx
Classification: Benign. Last evaluated: 2015-03-03. Review status: criteria provided, single submitter. Criteria: GeneDx Variant Classification Process June 2021. Collection method: clinical testing. Allele origin: germline. Affected: yes.

Genomic Diagnostic Laboratory, Division of Genomic Diagnostics, Children's Hospital of Philadelphia
Classification: Benign. Last evaluated: 2014-12-31. Review status: criteria provided, single submitter. Criteria: DGD Variant Analysis Guidelines. Collection method: clinical testing. Allele origin: unknown.

Genome Diagnostics Laboratory, University Medical Center Utrecht
Classification: Benign for Townes-Brocks syndrome 1. Last evaluated: 2014-10-09. Review status: criteria provided, single submitter. Criteria: ACGS Guidelines, 2013. Collection method: clinical testing. Allele origin: germline. Affected: yes. Study: VKGL Data-share Consensus.

Breakthrough Genomics
Classification: Likely benign. Review status: criteria provided, single submitter. Criteria: ACMG Guidelines, 2015. Collection method: not provided. Allele origin: germline. Inheritance: Autosomal dominant inheritance. Affected: yes.

PreventionGenetics, part of Exact Sciences
Classification: Likely benign. Review status: criteria provided, single submitter. Criteria: ACMG Guidelines, 2015. Collection method: clinical testing. Allele origin: germline.

Laboratory of Diagnostic Genome Analysis, Leiden University Medical Center (LUMC)
Classification: Likely benign. Review status: no assertion criteria provided. Collection method: clinical testing. Allele origin: germline. Affected: yes. Study: VKGL Data-share Consensus. Not counted in ClinVar's aggregate classification.

Literature cited by the submitters: PubMed 11102974 (cited by Athena Diagnostics); PubMed 10819639 (cited by Athena Diagnostics).